The following is an entry in ClinVar:

NM_000321.3(RB1):c.1346G>A (p.Gly449Glu)

Gene: RB1 (RB transcriptional corepressor 1; plus strand). Cytogenetic location: 13q14.2.
Variant type: single nucleotide variant.
Coding change: c.1346G>A on transcript NM_000321.3 (MANE Select); coding-DNA position 1346, G replaced by A.
Protein change: p.Gly449Glu; replaces glycine 449 with glutamic acid.
Molecular consequence: missense variant.
Genome position (GRCh38, 1-based): chr13:48,379,607, G>A. VCF-style: chr13-48379607-G-A. GRCh37 (hg19) VCF-style: chr13-48953743-G-A.
Other names: c.1346G>A, p.Gly449Glu (NM_001407165.1, NM_001407166.1); short protein forms G449E.
Identifiers: ClinVar variation 2736027 (VCV002736027.3), dbSNP rs587778847, ClinGen allele CA388162559.
Genomic context (GRCh38, chr13:48,379,607, plus strand): 5'-ATTTTCTAAAATAGCAGGCTCTTATTTTTCTTTTTGTTTGTTTGTAGCGATACAAACTTG[G>A]AGTTCGCTTGTATTACCGAGTAATGGAATCCATGCTTAAATCAGTAAGTTAAAAACAATA-3'
Protein context (NP_000312.2, residues 439-459): VEIGSQRYKL[Gly449Glu]VRLYYRVMES

ClinVar aggregate classification (germline): Pathogenic (1 of 4 stars; one submission).

Conditions:
Retinoblastoma (RB1). Also called: RETINOBLASTOMA, SOMATIC. Identifiers: Orphanet 790, MedGen C0035335, MeSH D012175, MONDO:0008380, OMIM 180200, HP:0009919. Disease mechanism: loss of function. Inheritance: Both sporadic and heritable forms are tested..

Submission:

Labcorp Genetics (formerly Invitae), Labcorp
Classification: Pathogenic for Retinoblastoma. Last evaluated: 2023-10-27. Review status: criteria provided, single submitter. Criteria: Invitae Variant Classification Sherloc (09022015). Collection method: clinical testing. Allele origin: germline.
Comment: This sequence change replaces glycine, which is neutral and non-polar, with glutamic acid, which is acidic and polar, at codon 449 of the RB1 protein (p.Gly449Glu). This variant is not present in population databases (gnomAD no frequency). This missense change has been observed in individual(s) with retinoblastoma (PMID: 12541220, 15605413, 23532519; Invitae). Advanced modeling of protein sequence and biophysical properties (such as structural, functional, and spatial information, amino acid conservation, physicochemical variation, residue mobility, and thermodynamic stability) performed at Invitae indicates that this missense variant is expected to disrupt RB1 protein function with a positive predictive value of 80%. This variant disrupts the p.Gly449 amino acid residue in RB1. Other variant(s) that disrupt this residue have been determined to be pathogenic (PMID: 17096365, 28193182; Invitae). This suggests that this residue is clinically significant, and that variants that disrupt this residue are likely to be disease-causing. For these reasons, this variant has been classified as Pathogenic.

Literature cited by the submitters: PubMed 12541220; PubMed 15605413; PubMed 23532519; PubMed 17096365; PubMed 28193182.